The following is an entry in ClinVar:

NM_003242.6(TGFBR2):c.1332G>C (p.Gln444His)

Gene: TGFBR2 (transforming growth factor beta receptor 2; plus strand). Cytogenetic location: 3p24.1.
Variant type: single nucleotide variant.
Coding change: c.1332G>C on transcript NM_003242.6 (MANE Select); coding-DNA position 1332, G replaced by C.
Protein change: p.Gln444His; replaces glutamine 444 with histidine.
Molecular consequence: missense variant. On other transcripts: intron variant (1).
Genome position (GRCh38, 1-based): chr3:30,674,182, G>C. VCF-style: chr3-30674182-G-C. GRCh37 (hg19) VCF-style: chr3-30715674-G-C.
Other names: c.1407G>C, p.Gln469His (NM_001024847.3); c.1515G>C, p.Gln505His (NM_001407126.1); c.1440G>C, p.Gln480His (NM_001407127.1); c.1359G>C, p.Gln453His (NM_001407128.1); c.1335G>C, p.Gln445His (NM_001407129.1); c.1332G>C, p.Gln444His (NM_001407130.1); c.1227G>C, p.Gln409His (NM_001407132.1, NM_001407133.1, NM_001407134.1 and 2 more transcripts); c.1047G>C, p.Gln349His (NM_001407137.1); and 2 more; short protein forms Q324H, Q349H, Q409H, Q444H, Q445H, Q453H, Q469H, Q480H.
Identifiers: ClinVar variation 4801614 (VCV004801614.1).
Genomic context (GRCh38, chr3:30,674,182, plus strand): 5'-CATGGCTCCAGAAGTCCTAGAATCCAGGATGAATTTGGAGAATGTTGAGTCCTTCAAGCA[G>C]ACCGATGTCTACTCCATGGCTCTGGTGCTCTGGGAAATGACATCTCGCTGTAATGCAGTG-3'
Protein context (NP_003233.4, residues 434-454): MNLENVESFK[Gln444His]TDVYSMALVL

ClinVar aggregate classification (germline): Uncertain significance (1 of 4 stars; one submission).

Conditions:
Familial thoracic aortic aneurysm and aortic dissection (TAAD). Also called: Thoracic aortic aneurysms and dissections. Identifiers: Orphanet 91387, MedGen C4707243, MONDO:0019625.

Submission:

Labcorp Genetics (formerly Invitae), Labcorp
Classification: Uncertain significance for Familial thoracic aortic aneurysm and aortic dissection. Last evaluated: 2025-04-11. Review status: criteria provided, single submitter. Criteria: Invitae Variant Classification Sherloc (09022015). Collection method: clinical testing. Allele origin: germline.
Comment: This sequence change replaces glutamine, which is neutral and polar, with histidine, which is basic and polar, at codon 444 of the TGFBR2 protein (p.Gln444His). This variant is not present in population databases (gnomAD no frequency). This variant has not been reported in the literature in individuals affected with TGFBR2-related conditions. Invitae Evidence Modeling of protein sequence and biophysical properties (such as structural, functional, and spatial information, amino acid conservation, physicochemical variation, residue mobility, and thermodynamic stability) has been performed for this missense variant. However, the output from this modeling did not meet the statistical confidence thresholds required to predict the impact of this variant on TGFBR2 protein function. This variant disrupts the p.Gln444 amino acid residue in TGFBR2. Other variant(s) that disrupt this residue have been observed in individuals with TGFBR2-related conditions (PMID: 19816028, 37116669), which suggests that this may be a clinically significant amino acid residue. In summary, the available evidence is currently insufficient to determine the role of this variant in disease. Therefore, it has been classified as a Variant of Uncertain Significance.

Literature cited by the submitters: PubMed 19816028; PubMed 37116669.